The following is an entry in ClinVar:

NM_001161352.2(KCNMA1):c.688G>A (p.Gly230Ser)

Gene: KCNMA1 (potassium calcium-activated channel subfamily M alpha 1; minus strand). Cytogenetic location: 10q22.3.
Variant type: single nucleotide variant.
Coding change: c.688G>A on transcript NM_001161352.2 (MANE Select); coding-DNA position 688, G replaced by A.
Protein change: p.Gly230Ser; replaces glycine 230 with serine.
Molecular consequence: missense variant.
Genome position (GRCh38, 1-based): chr10:77,184,831, C>T on the plus strand (G>A on the coding strand, the complement: KCNMA1 is on the minus strand). VCF-style: chr10-77184831-C-T. GRCh37 (hg19) VCF-style: chr10-78944589-C-T.
Other names: c.688G>A (NM_002247.3); c.688G>A, p.Gly230Ser (NM_001014797.3, NM_001161353.2, NM_001271519.2 and 8 more transcripts); c.526G>A, p.Gly176Ser (NM_001271518.2); c.148G>A, p.Gly50Ser (NM_001322838.2); short protein forms G176S, G230S, G50S.
Identifiers: ClinVar variation 1958333 (VCV001958333.6), dbSNP rs745800907, ClinGen allele CA5568632.
Genomic context (GRCh38, chr10:77,184,831, plus strand): 5'-TCCCAGACTGAAACACCCCATTGTGATACTGAACAATGTTGCACAAACTTACCCGCAAGC[C>T]GAAGTAGAGAAGGAAGAACACGTTGAAAGCCATGTCGATCTGTAATGTGAAATCTTTGTA-3'
Protein context (NP_001154824.1, residues 220-240): AFNVFFLLYF[Gly230Ser]LRFIAANDKL

ClinVar aggregate classification (germline): Uncertain significance. Review status: criteria provided, multiple submitters, no conflicts (2 of 4 stars). 2 submissions from 2 submitters: Uncertain significance (2). Last evaluated 2025-07-02.

Conditions:
Inborn genetic diseases. Identifiers: MedGen C0950123, MeSH D030342.
Generalized epilepsy-paroxysmal dyskinesia syndrome (PNKD3). Also called: Paroxysmal nonkinesigenic dyskinesia, 3, with or without generalized epilepsy; Generalized epilepsy and paroxysmal dyskinesia. Identifiers: Orphanet 79137, MedGen C5574945, MONDO:0012276, OMIM 609446.

Allele frequency attached by ClinVar (database versions not stated): gnomAD exomes below 0.00001; TOPMed below 0.00001; gnomAD 0.00001; ExAC 0.00002.
gnomAD v4.1: 4 of 1,604,420 alleles (0.00025%); highest among the groups gnomAD compares: Non-Finnish European, 0.00034%; no homozygotes.

Submissions (2):

Ambry Genetics
Classification: Uncertain significance for Inborn genetic diseases. Last evaluated: 2025-07-02. Review status: criteria provided, single submitter. Criteria: Ambry Variant Classification Scheme 2023. Collection method: clinical testing. Allele origin: germline.

Labcorp Genetics (formerly Invitae), Labcorp
Classification: Uncertain significance for Generalized epilepsy-paroxysmal dyskinesia syndrome. Last evaluated: 2023-08-30. Review status: criteria provided, single submitter. Criteria: Invitae Variant Classification Sherloc (09022015). Collection method: clinical testing. Allele origin: germline.
Comment: This sequence change replaces glycine, which is neutral and non-polar, with serine, which is neutral and polar, at codon 230 of the KCNMA1 protein (p.Gly230Ser). In summary, the available evidence is currently insufficient to determine the role of this variant in disease. Therefore, it has been classified as a Variant of Uncertain Significance. Advanced modeling of protein sequence and biophysical properties (such as structural, functional, and spatial information, amino acid conservation, physicochemical variation, residue mobility, and thermodynamic stability) has been performed at Invitae for this missense variant, however the output from this modeling did not meet the statistical confidence thresholds required to predict the impact of this variant on KCNMA1 protein function. ClinVar contains an entry for this variant (Variation ID: 1958333). This variant has not been reported in the literature in individuals affected with KCNMA1-related conditions. This variant is present in population databases (rs745800907, gnomAD 0.002%).